The following is an entry in ClinVar:

ClinVar aggregate classification (germline): Likely benign. Review status: criteria provided, multiple submitters, no conflicts (2 of 4 stars). 3 submissions from 3 submitters: Likely benign (3). Last evaluated 2025-06-29.

Conditions:
Hereditary cancer-predisposing syndrome. Also called: Hereditary Cancer Syndrome; Tumor predisposition; Hereditary neoplastic syndrome; Neoplastic Syndromes, Hereditary. Identifiers: Orphanet 140162, MedGen C0027672, MeSH D009386, MONDO:0015356.
Tuberous sclerosis 2 (TSC2). Identifiers: Orphanet 805, MedGen C1860707, MONDO:0013199, OMIM 613254.
Tuberous sclerosis syndrome (TSC). Also called: Tuberous Sclerosis Complex; Tuberous sclerosis. Identifiers: Orphanet 805, MedGen C0041341, MONDO:0001734.

Submissions (3):

Ambry Genetics
Classification: Likely benign for Hereditary cancer-predisposing syndrome. Last evaluated: 2025-06-29. Review status: criteria provided, single submitter. Criteria: Ambry Variant Classification Scheme 2023. Collection method: clinical testing. Allele origin: germline.

All of Us Research Program, National Institutes of Health
Classification: Likely benign for Tuberous sclerosis syndrome. Last evaluated: 2024-07-20. Review status: criteria provided, single submitter. Criteria: ACMG Guidelines, 2015. Collection method: clinical testing. Allele origin: germline. Inheritance: Autosomal dominant inheritance. Observed: 1 variant allele, 1 heterozygote.
Comment: This study involves interpretation of variants in research participants for the purpose of population health screening. Participant phenotype was not available at the time of variant classification. Additional details can be found in publication PMID: 35346344, PMCID: PMC8962531

Labcorp Genetics (formerly Invitae), Labcorp
Classification: Likely benign for Tuberous sclerosis 2. Last evaluated: 2022-05-29. Review status: criteria provided, single submitter. Criteria: Invitae Variant Classification Sherloc (09022015). Collection method: clinical testing. Allele origin: germline.

NM_000548.5(TSC2):c.3897C>T (p.Val1299=)

Gene: TSC2 (TSC complex subunit 2; plus strand). Cytogenetic location: 16p13.3.
Variant type: single nucleotide variant.
Coding change: c.3897C>T on transcript NM_000548.5 (MANE Select); coding-DNA position 3897, C replaced by T.
Protein change: p.Val1299=; no amino-acid change (valine 1299 retained).
Molecular consequence: synonymous variant. On other transcripts: non-coding transcript variant (5).
Genome position (GRCh38, 1-based): chr16:2,083,708, C>T. VCF-style: chr16-2083708-C-T. GRCh37 (hg19) VCF-style: chr16-2133709-C-T.
Other names: c.3786C>T, p.Val1262= (NM_001406668.1); c.3717C>T, p.Val1239= (NM_001406670.1); c.3699C>T, p.Val1233= (NM_001363528.2); c.3765C>T, p.Val1255= (NM_001370404.1); c.3768C>T, p.Val1256= (NM_001370405.1, NM_021055.3); c.3894C>T, p.Val1298= (NM_001406663.1); c.3825C>T, p.Val1275= (NM_001406664.1); c.3552C>T, p.Val1184= (NM_001318829.2); and 26 more.
Identifiers: ClinVar variation 2000312 (VCV002000312.6), dbSNP rs2151510391, ClinGen allele CA492956137.